The following is an entry in ClinVar:

NM_001105206.3(LAMA4):c.4958C>T (p.Thr1653Ile)

Gene: LAMA4 (laminin subunit alpha 4; minus strand). Cytogenetic location: 6q21.
Variant type: single nucleotide variant.
Coding change: c.4958C>T on transcript NM_001105206.3 (MANE Select); coding-DNA position 4958, C replaced by T.
Protein change: p.Thr1653Ile; replaces threonine 1653 with isoleucine.
Molecular consequence: missense variant.
Genome position (GRCh38, 1-based): chr6:112,117,762, G>A on the plus strand (C>T on the coding strand, the complement: LAMA4 is on the minus strand). VCF-style: chr6-112117762-G-A. GRCh37 (hg19) VCF-style: chr6-112438965-G-A.
Other names: c.4937C>T, p.Thr1646Ile (NM_001105207.3, NM_002290.5); c.4937C>T (NM_002290.4); short protein forms T1653I, T1646I.
Identifiers: ClinVar variation 3012960 (VCV003012960.4), dbSNP rs782386897, ClinGen allele CA3964869.

ClinVar aggregate classification (germline): Uncertain significance. Review status: criteria provided, single submitter (1 of 4 stars). 2 submissions from 2 submitters: Uncertain significance (1). 1 of the submissions does not count toward it. Last evaluated 2024-03-26.

Conditions:
LAMA4-related disorder. Also called: LAMA4-related condition.
Dilated cardiomyopathy 1JJ (CMD1JJ). Identifiers: Orphanet 154, MedGen C3808935, MONDO:0014095, OMIM 615235.

Allele frequency attached by ClinVar (database versions not stated): TOPMed below 0.00001; ExAC 0.00001; gnomAD exomes 0.00001.
gnomAD v4.1: 3 of 1,613,600 alleles (0.00019%); highest among the groups gnomAD compares: East Asian, 0.0022%; no homozygotes.

Submissions (2):

Labcorp Genetics (formerly Invitae), Labcorp
Classification: Uncertain significance for Dilated cardiomyopathy 1JJ. Last evaluated: 2024-03-26. Review status: criteria provided, single submitter. Criteria: Invitae Variant Classification Sherloc (09022015). Collection method: clinical testing. Allele origin: germline.
Comment: This sequence change replaces threonine, which is neutral and polar, with isoleucine, which is neutral and non-polar, at codon 1646 of the LAMA4 protein (p.Thr1646Ile). This variant is present in population databases (rs782386897, gnomAD 0.0009%). This variant has not been reported in the literature in individuals affected with LAMA4-related conditions. An algorithm developed to predict the effect of missense changes on protein structure and function (PolyPhen-2) suggests that this variant is likely to be tolerated. Algorithms developed to predict the effect of sequence changes on RNA splicing suggest that this variant may disrupt the consensus splice site. In summary, the available evidence is currently insufficient to determine the role of this variant in disease. Therefore, it has been classified as a Variant of Uncertain Significance.

PreventionGenetics, part of Exact Sciences
Classification: Uncertain significance for LAMA4-related condition. Last evaluated: 2024-06-06. Review status: no assertion criteria provided. Collection method: clinical testing. Allele origin: germline. Not counted in ClinVar's aggregate classification.
Comment: The LAMA4 c.4937C>T variant is predicted to result in the amino acid substitution p.Thr1646Ile. To our knowledge, this variant has not been reported in the literature. This variant is reported in 0.00088% of alleles in individuals of European (Non-Finnish) descent in gnomAD. At this time, the clinical significance of this variant is uncertain due to the absence of conclusive functional and genetic evidence.